The following is an entry in ClinVar:

NM_005402.4(RALA):c.4G>A (p.Ala2Thr)

Gene: RALA (RAS like proto-oncogene A; plus strand). Cytogenetic location: 7p14.1.
Variant type: single nucleotide variant.
Coding change: c.4G>A on transcript NM_005402.4 (MANE Select); coding-DNA position 4, G replaced by A.
Protein change: p.Ala2Thr; replaces alanine 2 with threonine.
Molecular consequence: missense variant.
Genome position (GRCh38, 1-based): chr7:39,686,671, G>A. VCF-style: chr7-39686671-G-A. GRCh37 (hg19) VCF-style: chr7-39726270-G-A.
Other names: short protein forms A2T.
Identifiers: ClinVar variation 1600063 (VCV001600063.33), dbSNP rs148748965, ClinGen allele CA4228188.

ClinVar aggregate classification (germline): Benign/Likely benign. Review status: criteria provided, multiple submitters, no conflicts (2 of 4 stars). 3 submissions from 3 submitters: Benign (2); Likely benign (1). Last evaluated 2026-02-02.

Allele frequency attached by ClinVar (database versions not stated): 1000 Genomes Project 30x 0.00062; TOPMed 0.00073; 1000 Genomes Project 0.00080; ESP Exome Variant Server 0.00123; gnomAD exomes 0.00155 and 0.00194; gnomAD 0.00162 and 0.00168; ExAC 0.00197.
gnomAD v4.1: 2,496 of 1,613,228 alleles (0.15%); highest among the groups gnomAD compares: Non-Finnish European, 0.14%; 6 homozygotes.

Submissions (3):

Labcorp Genetics (formerly Invitae), Labcorp
Classification: Benign. Last evaluated: 2026-02-02. Review status: criteria provided, single submitter. Criteria: Invitae Variant Classification Sherloc (09022015). Collection method: clinical testing. Allele origin: germline.

Blueprint Genetics
Classification: Likely benign. Last evaluated: 2024-11-27. Review status: criteria provided, single submitter. Criteria: ACMG Guidelines, 2015. Collection method: clinical testing. Allele origin: germline.

CeGaT Center for Human Genetics Tuebingen
Classification: Benign. Last evaluated: 2022-04-01. Review status: criteria provided, single submitter. Criteria: CeGaT Center For Human Genetics Tuebingen Variant Classification Criteria Version 2. Collection method: clinical testing. Allele origin: germline. Affected: yes. Observed: 1 variant allele.
Comment: RALA: BS1, BS2